The following is an entry in ClinVar:

NM_001384474.1(LOXHD1):c.1420G>T (p.Glu474Ter)

Gene: LOXHD1 (lipoxygenase homology PLAT domains 1; minus strand). Cytogenetic location: 18q21.1.
Variant type: single nucleotide variant.
Coding change: c.1420G>T on transcript NM_001384474.1 (MANE Select); coding-DNA position 1420, G replaced by T.
Protein change: p.Glu474Ter; replaces glutamic acid 474 with a stop codon.
Molecular consequence: nonsense.
Genome position (GRCh38, 1-based): chr18:46,593,611, C>A on the plus strand (G>T on the coding strand, the complement: LOXHD1 is on the minus strand). VCF-style: chr18-46593611-C-A. GRCh37 (hg19) VCF-style: chr18-44173574-C-A.
Other names: c.1420G>T, p.Glu474Ter (NM_144612.7); short protein forms E474*.
Identifiers: ClinVar variation 4850753 (VCV004850753.1).
Genomic context (GRCh38, chr18:46,593,611, plus strand): 5'-TACATCCCTTCCTCCTTTCTCCCTCCCATCCATCACAATCCTCTCCTACCCTAAACTTCT[C>A]GATTATGCCGGGTTTGAACCACTTGTTGTTGGGATTCAGGAGAATCTCATCTGTCCGCCC-3'

ClinVar aggregate classification (germline): Pathogenic (1 of 4 stars; one submission).

Conditions:
Autosomal recessive nonsyndromic hearing loss 77. Identifiers: Orphanet 90636, MedGen C2746083, MONDO:0013119, OMIM 613079.

gnomAD v4.1: 2 of 1,552,302 alleles (0.00013%); highest among the groups gnomAD compares: Non-Finnish European, 0.00017%; no homozygotes.

Submission:

Variantyx, Inc.
Classification: Pathogenic for Autosomal recessive nonsyndromic hearing loss 77. Last evaluated: 2026-01-08. Review status: criteria provided, single submitter. Criteria: Variantyx Assertion Criteria 2022. Collection method: clinical testing. Allele origin: germline. Inheritance: Autosomal recessive inheritance. Affected: no.
Comment: This is a nonsense variant in the LOXHD1 gene (OMIM: 613072). Pathogenic variants in this gene have been associated with autosomal recessive deafness 77. This variant introduces a premature termination codon in exon 10 out of 41 and is expected to result in loss of function, which is a known disease mechanism for LOXHD1 in this disorder (PMID: 19732867, 21465660, 25792669) (PVS1). This variant has been identified in the homozygous or compound heterozygous state in at least two individuals reported in the published literature (PMID: 35711932, 36597107) (PM3). It has a 0.0002% maximum allele frequency in non-founder control populations (PM2). Based on the current evidence, this variant is classified as pathogenic for autosomal recessive deafness 77.

Literature cited by the submitters: PubMed 19732867; PubMed 21465660; PubMed 25792669; PubMed 35711932; PubMed 36597107.